The following is an entry in ClinVar:

NM_001330288.2(SMARCC2):c.1360A>G (p.Asn454Asp)

Gene: SMARCC2 (SWI/SNF related, matrix associated, actin dependent regulator of chromatin subfamily c member 2; minus strand). Cytogenetic location: 12q13.2.
Variant type: single nucleotide variant.
Coding change: c.1360A>G on transcript NM_001330288.2 (MANE Select); coding-DNA position 1360, A replaced by G.
Protein change: p.Asn454Asp; replaces asparagine 454 with aspartic acid.
Molecular consequence: missense variant.
Genome position (GRCh38, 1-based): chr12:56,178,044, T>C on the plus strand (A>G on the coding strand, the complement: SMARCC2 is on the minus strand). VCF-style: chr12-56178044-T-C. GRCh37 (hg19) VCF-style: chr12-56571828-T-C.
Other names: c.1360A>G, p.Asn454Asp (NM_001130420.3, NM_003075.5, NM_139067.4); short protein forms N454D.
Identifiers: ClinVar variation 1309647 (VCV001309647.2), dbSNP rs2135716273, ClinGen allele CA385348853.

ClinVar aggregate classification (germline): Uncertain significance (1 of 4 stars; one submission).

Submission:

GeneDx
Classification: Uncertain significance. Last evaluated: 2019-10-28. Review status: criteria provided, single submitter. Criteria: GeneDx Variant Classification Process June 2021. Collection method: clinical testing. Allele origin: germline. Affected: yes.
Comment: Not observed in large population cohorts (Lek et al., 2016); In silico analysis, which includes protein predictors and evolutionary conservation, supports a deleterious effect; Has not been previously published as pathogenic or benign to our knowledge